The following is an entry in ClinVar:

ClinVar aggregate classification (germline): Uncertain significance (1 of 4 stars; one submission).

Submission:

Women's Health and Genetics/Laboratory Corporation of America, LabCorp
Classification: Uncertain significance. Last evaluated: 2025-05-28. Review status: criteria provided, single submitter. Criteria: LabCorp Variant Classification Summary - May 2015. Collection method: clinical testing. Allele origin: germline.
Comment: Variant summary: DYSF c.3473T>G (p.Met1158Arg) results in a non-conservative amino acid change in the encoded protein sequence. Algorithms developed to predict the effect of missense changes on protein structure and function are either unavailable or do not agree on the potential impact of this missense change. The variant was absent in 251474 control chromosomes. The available data on variant occurrences in the general population are insufficient to allow any conclusion about variant significance. c.3473T>G has been observed in the compound heterozygous state in at least one individual affected with Limb-Girdle Muscular Dystrophy, Autosomal Recessive (Guo_2021). These data do not allow any conclusion about variant significance. To our knowledge, no experimental evidence demonstrating an impact on protein function has been reported. The following publication have been ascertained in the context of this evaluation (PMID: 33560664). No submitters have cited clinical-significance assessments for this variant to ClinVar. Based on the evidence outlined above, the variant was classified as uncertain significance.

Literature cited by the submitters: PubMed 33560664.

NM_001130987.2(DYSF):c.3527T>G (p.Met1176Arg)

Gene: DYSF (dysferlin; plus strand). Cytogenetic location: 2p13.2.
Variant type: single nucleotide variant.
Coding change: c.3527T>G on transcript NM_001130987.2 (MANE Select); coding-DNA position 3527, T replaced by G.
Protein change: p.Met1176Arg; replaces methionine 1176 with arginine.
Molecular consequence: missense variant.
Genome position (GRCh38, 1-based): chr2:71,590,241, T>G. VCF-style: chr2-71590241-T-G. GRCh37 (hg19) VCF-style: chr2-71817371-T-G.
Other names: c.3476T>G, p.Met1159Arg (NM_001130455.2, NM_001130983.2); c.3431T>G, p.Met1144Arg (NM_001130976.2, NM_001130977.2); c.3473T>G, p.Met1158Arg (NM_001130978.2, NM_003494.4); c.3566T>G, p.Met1189Arg (NM_001130979.2); c.3524T>G, p.Met1175Arg (NM_001130980.2, NM_001130981.2); c.3569T>G, p.Met1190Arg (NM_001130982.2); c.3434T>G, p.Met1145Arg (NM_001130984.2, NM_001130986.2); c.3527T>G, p.Met1176Arg (NM_001130985.2); short protein forms M1144R, M1145R, M1158R, M1159R, M1175R, M1176R, M1189R, M1190R.
Identifiers: ClinVar variation 3902625 (VCV003902625.1).